The following is an entry in ClinVar:

ClinVar aggregate classification (germline): Uncertain significance. Review status: criteria provided, multiple submitters, no conflicts (2 of 4 stars). 2 submissions from 2 submitters: Uncertain significance (2). Last evaluated 2024-05-30.

Conditions:
Inborn genetic diseases. Identifiers: MedGen C0950123, MeSH D030342.

gnomAD v4.1: 60 of 1,613,922 alleles (0.0037%); highest among the groups gnomAD compares: East Asian, 0.0067%; no homozygotes.

Submissions (2):

Ambry Genetics
Classification: Uncertain significance for Inborn genetic diseases. Last evaluated: 2024-05-30. Review status: criteria provided, single submitter. Criteria: Ambry Variant Classification Scheme 2023. Collection method: clinical testing. Allele origin: germline.

GeneDx
Classification: Uncertain significance. Last evaluated: 2023-05-22. Review status: criteria provided, single submitter. Criteria: GeneDx Variant Classification Process June 2021. Collection method: clinical testing. Allele origin: germline. Affected: yes.
Comment: In silico analysis supports that this missense variant has a deleterious effect on protein structure/function; Has not been previously published as pathogenic or benign to our knowledge

NM_001372.4(DNAH9):c.5899G>A (p.Gly1967Ser)

Gene: DNAH9 (dynein axonemal heavy chain 9; plus strand). Cytogenetic location: 17p12.
Variant type: single nucleotide variant.
Coding change: c.5899G>A on transcript NM_001372.4 (MANE Select); coding-DNA position 5899, G replaced by A.
Protein change: p.Gly1967Ser; replaces glycine 1967 with serine.
Molecular consequence: missense variant.
Genome position (GRCh38, 1-based): chr17:11,738,964, G>A. VCF-style: chr17-11738964-G-A. GRCh37 (hg19) VCF-style: chr17-11642281-G-A.
Other names: short protein forms G1967S.
Identifiers: ClinVar variation 3272942 (VCV003272942.2).